The following is an entry in ClinVar:

ClinVar aggregate classification (germline): Uncertain significance (3 of 4 stars; one submission).

Conditions:
Open-angle glaucoma. Identifiers: MedGen C0017612, MONDO:0005338, HP:0012108.

Allele frequency attached by ClinVar (database versions not stated): ExAC 0.00001; gnomAD exomes below 0.00001.
gnomAD v4.1: 3 of 1,614,188 alleles (0.00019%); highest among the groups gnomAD compares: Non-Finnish European, 0.00025%; no homozygotes.

Submission:

ClinGen Glaucoma Variant Curation Expert Panel
Classification: Uncertain significance for Open-angle glaucoma. Last evaluated: 2025-11-12. Review status: reviewed by expert panel. Criteria: ClinGen Glaucoma ACMG Specifications V2.0.0 Approved. Collection method: curation. Allele origin: germline. Inheritance: Autosomal dominant inheritance.
Comment: The c.73T>C variant in MYOC is a missense variant predicted to cause substitution of Cysteine by Arginine at amino acid 25 (p.Cys25Arg). The highest minor allele frequency of this variant was in the European (non-Finnish) genetic ancestry group of gnomAD (v4.1.0) = 0.000002542 (3 alleles out of 1,180,020), which met the ≤ 0.0001 threshold set for PM2_Supporting in a genetic ancestry group of at least 10,000 alleles. The REVEL score = 0.225, which is within the 0.184-0.290 range for BP4, suggesting that the variant does not impact MYOC function. The Cys25Arg protein had increased insolubility and reduced secretion levels to wild type myocilin protein in this study (PMID: 36267417). The assays met the OddsPath threshold for PS3_Moderate (> 4.3), indicating that this variant did impact protein function. Only 1 proband with juvenile open angle glaucoma (JOAG) had been reported (PMID: 12860809), not meeting the ≥ 2 probands threshold required to meet PS4_Supporting. Only 1 segregation had been reported for JOAG (PMID: 12860809), not meeting the ≥ 3 segregations required for PP1. In summary, this variant met the criteria to receive a score of 2 and to be classified as a variant of uncertain significance (uncertain significance classification range -1 to 5, adapted from PMID: 32720330) for juvenile open angle glaucoma based on the ACMG/AMP criteria met, as specified by the ClinGen Glaucoma VCEP (v2.0.0, 5 Dec 2024): PS3_Moderate, BP4, PM2_Supporting.

Literature cited by the submitters: PubMed 36267417.

NM_000261.2(MYOC):c.73T>C (p.Cys25Arg)

Gene: MYOC (myocilin; minus strand). Cytogenetic location: 1q24.3.
Variant type: single nucleotide variant.
Coding change: c.73T>C on transcript NM_000261.2 (MANE Select); coding-DNA position 73, T replaced by C.
Protein change: p.Cys25Arg; replaces cysteine 25 with arginine.
Molecular consequence: missense variant.
Genome position (GRCh38, 1-based): chr1:171,652,539, A>G on the plus strand (T>C on the coding strand, the complement: MYOC is on the minus strand). VCF-style: chr1-171652539-A-G. GRCh37 (hg19) VCF-style: chr1-171621679-A-G.
Other names: NM_000261.2:c.73T>C; short protein forms C25R.
Identifiers: ClinVar variation 1703215 (VCV001703215.2), dbSNP rs755246983, ClinGen allele CA1244332.
Genomic context (GRCh38, chr1:171,652,539, plus strand): 5'-CACTCTGGTCATTGGCCTTCCTGAGCTGAGCTGTCCTGGCCCCCACATCCCACACCAGGC[A>G]GGCCAGAAGCAGCAGCTGGACAGCTGGCATCTCAGGCCCAAAGCTGCAGCAACGTGCACA-3'
Protein context (NP_000252.1, residues 15-35): MPAVQLLLLA[Cys25Arg]LVWDVGARTA